The following is an entry in ClinVar:

NM_024652.6(LRRK1):c.3447A>G (p.Thr1149=)

Genes: LRRK1 (leucine rich repeat kinase 1; plus strand), LRRK1-AS1 (LRRK1 antisense RNA 1; minus strand). Cytogenetic location: 15q26.3.
Variant type: single nucleotide variant.
Coding change: c.3447A>G on transcript NM_024652.6 (MANE Select); coding-DNA position 3447, A replaced by G.
Protein change: p.Thr1149=; no amino-acid change (threonine 1149 retained).
Molecular consequence: synonymous variant.
Genome position (GRCh38, 1-based): chr15:101,051,718, A>G. VCF-style: chr15-101051718-A-G. GRCh37 (hg19) VCF-style: chr15-101591923-A-G.
Other names: c.3447A>G (NM_024652.5).
Identifiers: ClinVar variation 1601184 (VCV001601184.11), dbSNP rs4965778, ClinGen allele CA7761536.
Genomic context (GRCh38, chr15:101,051,718, plus strand): 5'-GCCCTCCTGCACCACCTTCTTGTGAAGCTGTCTCCTGCTCTGTCCTTATTTAGCCCTGAC[A>G]GCCACAGAGAGCGACGGGACGCCACTCATGGAGCAGTACGTGCCCTGCCCGGTCTGCGAG-3'
Protein context (NP_078928.3, residues 1139-1159): SLIDQWFPAL[Thr1149=]ATESDGTPLM

ClinVar aggregate classification (germline): Benign. Review status: criteria provided, multiple submitters, no conflicts (2 of 4 stars). 3 submissions from 3 submitters: Benign (2). 1 of the submissions does not count toward it. Last evaluated 2026-02-04.

Conditions:
LRRK1-related disorder. Also called: LRRK1-related condition.

Allele frequency attached by ClinVar (database versions not stated): ESP Exome Variant Server 0.31003; gnomAD exomes 0.40860 and 0.45767; 1000 Genomes Project 0.45108; gnomAD 0.35551 and 0.36786; TOPMed 0.36234; 1000 Genomes Project 30x 0.44222; ExAC 0.44559.
gnomAD v4.1: 653,200 of 1,613,162 alleles (40%); highest among the groups gnomAD compares: East Asian, 77%; 140,114 homozygotes.

Submissions (3):

Labcorp Genetics (formerly Invitae), Labcorp
Classification: Benign. Last evaluated: 2026-02-04. Review status: criteria provided, single submitter. Criteria: Invitae Variant Classification Sherloc (09022015). Collection method: clinical testing. Allele origin: germline.

Breakthrough Genomics
Classification: Benign. Review status: criteria provided, single submitter. Criteria: ACMG Guidelines, 2015. Collection method: not provided. Allele origin: germline. Inheritance: Autosomal recessive inheritance. Affected: yes.

PreventionGenetics, part of Exact Sciences
Classification: Benign for LRRK1-related condition. Last evaluated: 2019-10-17. Review status: no assertion criteria provided. Collection method: clinical testing. Allele origin: germline. Not counted in ClinVar's aggregate classification.
Comment: This variant is classified as benign based on ACMG/AMP sequence variant interpretation guidelines (Richards et al. 2015 PMID: 25741868, with internal and published modifications).